The following is an entry in ClinVar:

NC_000006.11:g.(?_161771131)_(161771263_?)del

Gene: PRKN (parkin RBR E3 ubiquitin protein ligase; minus strand). Cytogenetic location: 6q26.
Variant type: Deletion.
Identifiers: ClinVar variation 3246175 (VCV003246175.1).

ClinVar aggregate classification (germline): Pathogenic (1 of 4 stars; one submission).

Submission:

Labcorp Genetics (formerly Invitae), Labcorp
Classification: Pathogenic. Last evaluated: 2022-06-13. Review status: criteria provided, single submitter. Criteria: Invitae Variant Classification Sherloc (09022015). Collection method: clinical testing. Allele origin: unknown.
Comment: For these reasons, this variant has been classified as Pathogenic. Experimental studies and prediction algorithms are not available or were not evaluated, and the functional significance of this variant is currently unknown. A similar copy number variant has been observed in individual(s) with early-onset Parkinson's disease (PMID: 24677602; Invitae). In at least one individual the data is consistent with being in trans (on the opposite chromosome) from a pathogenic variant. This variant is a gross deletion of the genomic region encompassing exon(s) 12 of the PRKN gene, which includes the termination codon. This deletion extends beyond the assayed region for this gene and therefore may encompass additional genes. While this deletion is not anticipated to lead to nonsense mediated decay, it is expected to alter mRNA translation or result in a truncated protein product.

Literature cited by the submitters: PubMed 24677602.